The following continues an entry in ClinVar:

NM_000055.2(BCHE):c.293A>G (p.Asp98Gly)

Gene: BCHE. ClinVar aggregate classification (germline): Pathogenic/Likely pathogenic. Pathogenic (21); Likely pathogenic (4).

Submissions 9 to 19 of 28:

GeneDx
Classification: Pathogenic. Last evaluated: 2025-08-20. Review status: criteria provided, single submitter. Criteria: GeneDx Variant Classification Process June 2021. Collection method: clinical testing. Allele origin: germline. Affected: yes.
Comment: Observed in the homozygous state or with a second variant in patients with prolonged neuromuscular block following anesthesia and/or butyrylcholinesterase deficiency tested at GeneDx and in published literature (PMID: 33774263, 2915989, 11928765, 12881446, 27031121, 25264279); Published functional studies demonstrate a severe reduction in affinity for butyrylthiocholine and succinyldithiocholine (PMID: 9047329, 23123771); In silico analysis supports that this missense variant has a deleterious effect on protein structure/function; Reported using alternate nomenclature of D70G, and is also known as the Atypical variant or the A allele; This variant is associated with the following publications: (PMID: 2013061, 33010031, 23123771, 25054547, 25264279, 11928765, 27109752, 19272534, 27551784, 26444431, 21637541, 25448037, 13437188, 10446378, 21228368, 25741868, 3542989, 13479831, 14404182, 31071335, 26439437, 31942019, 34313030, 17166756, 2915989, 11749053, 30804560, 1306123, 34204301, 12881446, 27031121, 30487145, 36199823, 35026467, 9047329, 33774263, 37520883, 36404349, 39504961, 39642868, 40365399, 40778538, 40148900, 40744384)

Revvity Omics, Revvity
Classification: Pathogenic for Deficiency of butyrylcholinesterase. Last evaluated: 2025-04-17. Review status: criteria provided, single submitter. Criteria: ACMG Guidelines, 2015. Collection method: clinical testing. Allele origin: germline.

Variantyx, Inc.
Classification: Likely pathogenic for Autosomal recessive BCHE-related disorders. Last evaluated: 2025-03-19. Review status: criteria provided, single submitter. Criteria: Variantyx Assertion Criteria 2022. Collection method: clinical testing. Allele origin: paternal.
Comment: This is a nonsynonymous variant in the BCHE gene (OMIM: 177400). Pathogenic variants in this gene have been associated with autosomal recessive BCHE-related disorders. This variant has been observed to segregate with disease in at least 4 individuals from 3 families (PMID: 2915989) (PP1_Moderate). Functional studies have shown that this variant alters BCHE protein function (PMID: 23123771, 9047329, 33774263, 25054547) (PS3). Computational algorithms produce conflicting evidence regarding the predicted functional impact of this variant (REVEL score: 0.56). This variant has a 1.8940% maximum allele frequency in non-founder control populations. Based on the current evidence, this variant is classified as likely pathogenic for autosomal recessive BCHE-related disorders.

Laboratory of Genetics, Children's Clinical University Hospital Latvia
Classification: Pathogenic. Last evaluated: 2025-02-16. Review status: criteria provided, single submitter. Criteria: ACMG Guidelines, 2015. Collection method: clinical testing. Allele origin: germline. Affected: yes.

ARUP Laboratories, Molecular Genetics and Genomics, ARUP Laboratories
Classification: Pathogenic. Last evaluated: 2025-01-24. Review status: criteria provided, single submitter. Criteria: ARUP Molecular Germline Variant Investigation Process 2024. Collection method: clinical testing. Allele origin: germline.
Comment: The BCHE c.293A>G; p.Asp98Gly variant (rs1799807, ClinVar Variation ID: 13215), also known as D70G or the A allele, is reported in the literature in many individuals affected with butyrylcholinesterase deficiency and in individuals with prolonged apnea after a standard dose of succinylcholine or mivacurium (Delacour 2014, Lockridge 2016, McGuire 1989). This variant is found in the general population with an overall allele frequency of 1.19% (3,385/ 282,392 alleles, including 36 homozygotes) in the Genome Aggregation Database (v2.1.1). Functional studies show the variant causes reduced enzyme activity and a reduction in substrate affinity/activation (Delacour 2014, Lockridge 2016, Masson 1999). Based on available information, this variant is classified as pathogenic. References: Delacour H et al. Characterization of a novel BCHE "silent" allele: point mutation (p.Val204Asp) causes loss of activity and prolonged apnea with suxamethonium. PLoS One. 2014 Jul 23;9(7):e101552. PMID: 25054547. Garcia DF et al. Biochemical and genetic analysis of butyrylcholinesterase (BChE) in a family, due to prolonged neuromuscular blockade after the use of succinylcholine. Genet Mol Biol. 2011 Jan;34(1):40-4. PMID: 21637541. Lockridge O et al. Naturally Occurring Genetic Variants of Human Acetylcholinesterase and Butyrylcholinesterase and Their Potential Impact on the Risk of Toxicity from Cholinesterase Inhibitors. Chem Res Toxicol. 2016 Sep 19;29(9):1381-92. PMID: 27551784. Masson P et al. Interaction between the peripheral site residues of human butyrylcholinesterase, D70 and Y332, in binding and hydrolysis of substrates. Biochim Biophys Acta. 1999 Aug 17;1433(1-2):281-93. PMID: 10446378. McGuire MC et al. Identification of the structural mutation responsible for the dibucaine-resistant (atypical) variant form of human serum cholinesterase. Proc Natl Acad Sci U S A. 1989 Feb;86(3):953-7. PMID: 2915989.

Blueprint Genetics
Classification: Pathogenic for BCHE-related disorders. Last evaluated: 2024-11-26. Review status: criteria provided, single submitter. Criteria: ACMG Guidelines, 2015. Collection method: clinical testing. Allele origin: germline. Affected: yes. Observed: 5 variant alleles.

Dubai Health Genomic Medicine Center, Dubai Health
Classification: Pathogenic for Butyrylcholinesterase deficiency. Last evaluated: 2024-10-04. Review status: criteria provided, single submitter. Criteria: ACMG Guidelines, 2015. Collection method: research. Allele origin: germline. Affected: yes.
Comment: PS3,PM3 (very strong),PM2,PP3

Institute of Human Genetics, University of Leipzig Medical Center
Classification: Pathogenic for Deficiency of butyrylcholinesterase. Last evaluated: 2024-07-16. Review status: criteria provided, single submitter. Criteria: ACMG Guidelines, 2015. Collection method: clinical testing. Allele origin: unknown. Inheritance: Autosomal recessive inheritance. Affected: yes.
Comment: Criteria applied: PM3_VSTR,PS3_MOD,PP4

Genomic Medicine Center of Excellence, King Faisal Specialist Hospital and Research Centre
Classification: Likely pathogenic for Deficiency of butyrylcholinesterase. Last evaluated: 2024-03-29. Review status: criteria provided, single submitter. Criteria: ACMG Guidelines, 2015. Collection method: clinical testing. Allele origin: germline.

Laboratory for Molecular Medicine, Mass General Brigham Personalized Medicine
Classification: Likely pathogenic for Deficiency of butyrylcholinesterase. Last evaluated: 2024-02-27. Review status: criteria provided, single submitter. Criteria: ACMG Guidelines, 2015. Collection method: clinical testing. Allele origin: germline. Inheritance: Autosomal recessive inheritance.
Comment: The p.Asp98Gly variant in BCHE (also described as p.Asp70Gly or the A allele in the literature) has been reported in the homozygous or compound heterozygous state in >40 individuals with pseudocholinesterase deficiency and segregated with disease in 9 affected relatives from 4 families (McGuire 1989 PMID: 2915989, Yen 2003 PMID: 12881446, Levano 2005 PMID: 15731589, Zelinski 2007 PMID: 17166756, Parnas 2011 PMID: 21228368, Garcia 2011 PMID: 21637541, Zavorotnyy 2011 PMID: 22053728, Delacour 2014 PMID: 25054547). The majority of these individuals carried another variant (p.Ala567Thr, also known as the K allele) on the same copy of the BCHE gene (in cis). This variant has also been reported by other clinical laboratories in ClinVar (Variation ID 13215) and has been identified in 1.2% (1897/152168) of total chromosomes, including 18 homozygous individuals, by gnomAD v3.1.2. This frequency is consistent with the frequency of pseudocholinesterase deficiency in the general population and the conditions under which clinical symptoms manifest. In vitro functional studies provide evidence that the p.Asp98Gly variant impacts BCHE enzyme activity (Masson 1997 PMID: 9047329, Lockridge 2016 PMID: 27551784). Computational prediction tools and conservation analysis do not provide strong support for or against an impact to the protein. In summary, although additional studies are required to fully establish its clinical significance, the p.Asp98Gly variant is likely pathogenic for autosomal recessive pseudocholinesterase deficiency. ACMG/AMP Criteria applied: PM3, PS3_Moderate, PP1_Moderate.

Women's Health and Genetics/Laboratory Corporation of America, LabCorp
Classification: Pathogenic for Deficiency of butyrylcholinesterase. Last evaluated: 2023-06-19. Review status: criteria provided, single submitter. Criteria: LabCorp Variant Classification Summary - May 2015. Collection method: clinical testing. Allele origin: germline.
Comment: Variant summary: BCHE c.293A>G (p.Asp98Gly) results in a non-conservative amino acid change located in the Carboxylesterase, type B domain (IPR002018) of the encoded protein sequence. Four of five in-silico tools predict a damaging effect of the variant on protein function. The variant allele was found at a frequency of 0.012 in 250996 control chromosomes, predominantly at a frequency of 0.018 within the Non-Finnish European subpopulation in the gnomAD database, including 26 homozygotes. The observed variant frequency within Non-Finnish European control individuals in the gnomAD database is approximately equal to the estimated maximal expected allele frequency for a pathogenic variant in BCHE causing Deficiency Of Butyrylcholine Esterase phenotype. c.293A>G has been reported in the literature in the homozygous or compound heterozygous state in multiple individuals affected with Deficiency Of Butyrylcholine Esterase resulting in sensitivity to muscle relaxants such as succinylcholine and mivacurium (e.g. Delacour_2014, Garcia_2011, Lockridge_2015, McGuire_1989, Yen_2003). Majority of individuals were determined to have another variant in cis, known as the K-allele (p.Ala539Thr). These data indicate that the variant is very likely to be associated with disease. Experimental evidence evaluating an impact on protein function demonstrated the variant negatively affects enzyme activity and concentration, causing a reduction in substrate affinity and an abolition of substrate activation (e.g. Delacour_2014, Lockridge_2016, Masson_1999). Ten clinical diagnostic laboratories have submitted clinical-significance assessments for this variant to ClinVar after 2014 and classified the variant as pathogenic /likely pathogenic (n=10) and risk factor (n=1). Based on the evidence outlined above, the variant was classified as pathogenic.